The following is an entry in ClinVar:

NM_006019.4(TCIRG1):c.1165+1G>C

Gene: TCIRG1 (T cell immune regulator 1, ATPase H+ transporting V0 subunit a3; plus strand). Cytogenetic location: 11q13.2.
Variant type: single nucleotide variant.
Coding change: c.1165+1G>C on transcript NM_006019.4 (MANE Select); the canonical splice donor site of the intron after coding-DNA position 1165, G replaced by C.
Molecular consequence: splice donor variant.
Genome position (GRCh38, 1-based): chr11:68,045,103, G>C. VCF-style: chr11-68045103-G-C. GRCh37 (hg19) VCF-style: chr11-67812570-G-C.
Other names: c.271+1G>C (NM_001351059.2); c.517+1G>C (NM_006053.4); c.1165+1G>C (NM_006019.3).
Identifiers: ClinVar variation 1684667 (VCV001684667.5), dbSNP rs780745598, ClinGen allele CA6146967.
Genomic context (GRCh38, chr11:68,045,103, plus strand): 5'-CCAGCTTCCAGGGCATCGTGGATGCCTACGGCGTGGGCCGCTACCAGGAGGTCAACCCCG[G>C]TGAGAGCCACGGCATCCTTACCCGTGTCCTGGGAGGCTCAGCTGCCCCACTGGGTGGGTG-3'

ClinVar aggregate classification (germline): Pathogenic/Likely pathogenic. Review status: criteria provided, multiple submitters, no conflicts (2 of 4 stars). 3 submissions from 3 submitters: Pathogenic (2); Likely pathogenic (1). Last evaluated 2025-08-07.

Conditions:
Autosomal recessive osteopetrosis 1. Also called: ALBERS-SCHONBERG DISEASE, AUTOSOMAL RECESSIVE; TCIRG1-Related Osteopetrosis; TCIRG1-Related Autosomal Recessive Osteopetrosis. Identifiers: Orphanet 667, MedGen C1850127, MONDO:0009815, OMIM 259700.

Allele frequency attached by ClinVar (database versions not stated): ExAC 0.00001; gnomAD 0.00001; gnomAD exomes below 0.00001.
gnomAD v4.1: 3 of 1,600,536 alleles (0.00019%); highest among the groups gnomAD compares: South Asian, 0.0022%; no homozygotes.

Submissions (3):

Natera, Inc.
Classification: Pathogenic for Infantile malignant osteopetrosis. Last evaluated: 2025-08-07. Review status: criteria provided, single submitter. Criteria: Natera Variant Classification Schema (03/2026). Collection method: clinical testing. Allele origin: germline.
Comment: The c.1165+1G>C variant in TCIRG1 is a canonical splice donor site variant predicted to affect pre-mRNA splicing, which may result in an abnormal transcript and altered protein product. This variant is expected to result in nonsense mediated decay, truncation, or a dysfunctional protein product. This variant is rare in the general population with a frequency below the threshold expected for the associated phenotype(s). This variant has been observed in one or more individuals affected with the associated recessive disease, as either homozygous or compound heterozygous with a second variant (PMID: 39011244). Given the available evidence, this variant is classified as Pathogenic.

Labcorp Genetics (formerly Invitae), Labcorp
Classification: Likely pathogenic. Last evaluated: 2024-08-12. Review status: criteria provided, single submitter. Criteria: Invitae Variant Classification Sherloc (09022015). Collection method: clinical testing. Allele origin: germline.
Comment: This sequence change affects a donor splice site in intron 10 of the TCIRG1 gene. It is expected to disrupt RNA splicing. Variants that disrupt the donor or acceptor splice site typically lead to a loss of protein function (PMID: 16199547), and loss-of-function variants in TCIRG1 are known to be pathogenic (PMID: 10888887, 10942435, 11532986, 19448635). This variant is present in population databases (rs780745598, gnomAD 0.003%). Disruption of this splice site has been observed in individual(s) with autosomal recessive osteopetrosis (PMID: 34753502). Algorithms developed to predict the effect of sequence changes on RNA splicing suggest that this variant may create or strengthen a splice site. In summary, the currently available evidence indicates that the variant is pathogenic, but additional data are needed to prove that conclusively. Therefore, this variant has been classified as Likely Pathogenic.

Molecular Lab, Department of Haematology, Christian Medical College
Classification: Pathogenic for Autosomal recessive osteopetrosis 1. Last evaluated: 2022-05-20. Review status: criteria provided, single submitter. Criteria: ACMG Guidelines, 2015. Collection method: clinical testing. Allele origin: germline. Affected: yes. Observed: 1 variant allele.

Literature cited by the submitters: PubMed 39011244 (cited by Natera, Inc.); PubMed 16199547 (cited by Labcorp Genetics (formerly Invitae), Labcorp); PubMed 10888887 (cited by Labcorp Genetics (formerly Invitae), Labcorp); PubMed 10942435 (cited by Labcorp Genetics (formerly Invitae), Labcorp); PubMed 11532986 (cited by Labcorp Genetics (formerly Invitae), Labcorp); PubMed 19448635 (cited by Labcorp Genetics (formerly Invitae), Labcorp); PubMed 34753502 (cited by Labcorp Genetics (formerly Invitae), Labcorp).